The following is an entry in ClinVar:

ClinVar aggregate classification (germline): Benign. Review status: criteria provided, multiple submitters, no conflicts (2 of 4 stars). 2 submissions from 2 submitters: Benign (2). Last evaluated 2018-06-14.

Allele frequency attached by ClinVar (database versions not stated): gnomAD exomes 0.36284; 1000 Genomes Project 0.37400; 1000 Genomes Project 30x 0.37711; gnomAD 0.41626 and 0.42059; TOPMed 0.41716.
gnomAD v4.1: 82,178 of 204,400 alleles (40%); highest among the groups gnomAD compares: African/African-American, 51%; 17,291 homozygotes.

Submissions (2):

GeneDx
Classification: Benign. Last evaluated: 2018-06-14. Review status: criteria provided, single submitter. Criteria: GeneDx Variant Classification (06012015). Collection method: clinical testing. Allele origin: germline. Affected: yes.
Comment: This variant is considered likely benign or benign based on one or more of the following criteria: it is a conservative change, it occurs at a poorly conserved position in the protein, it is predicted to be benign by multiple in silico algorithms, and/or has population frequency not consistent with disease.

Breakthrough Genomics
Classification: Benign. Review status: criteria provided, single submitter. Criteria: ACMG Guidelines, 2015. Collection method: not provided. Allele origin: germline. Inheritance: Autosomal dominant inheritance. Affected: yes.

NM_005751.5(AKAP9):c.5162+318G>A

Gene: AKAP9 (A-kinase anchoring protein 9; plus strand). Cytogenetic location: 7q21.2.
Variant type: single nucleotide variant.
Coding change: c.5162+318G>A on transcript NM_005751.5 (MANE Select); 318 bases into the intron after coding-DNA position 5162, G replaced by A.
Molecular consequence: intron variant.
Genome position (GRCh38, 1-based): chr7:92,043,089, G>A. VCF-style: chr7-92043089-G-A. GRCh37 (hg19) VCF-style: chr7-91672403-G-A.
Other names: c.5162+318G>A (NM_147185.3).
Identifiers: ClinVar variation 682749 (VCV000682749.2), dbSNP rs9784993, ClinGen allele CA161898342.
Genomic context (GRCh38, chr7:92,043,089, plus strand): 5'-CACCTGATGTTAGCAAAACTTTTCCTTACTTTGATTTTGTAGAGGTTAATATAAAAATGT[G>A]AAATATTAAGTGAGAATAGTTATCCTACATTAGTATTAAAGACTTTAAGCACAATATTTT-3'